The following is an entry in ClinVar:

NM_014908.4(DOLK):c.1568T>C (p.Ile523Thr)

Gene: DOLK (dolichol kinase; minus strand). Cytogenetic location: 9q34.11.
Variant type: single nucleotide variant.
Coding change: c.1568T>C on transcript NM_014908.4 (MANE Select); coding-DNA position 1568, T replaced by C.
Protein change: p.Ile523Thr; replaces isoleucine 523 with threonine.
Molecular consequence: missense variant.
Genome position (GRCh38, 1-based): chr9:128,945,736, A>G on the plus strand (T>C on the coding strand, the complement: DOLK is on the minus strand). VCF-style: chr9-128945736-A-G. GRCh37 (hg19) VCF-style: chr9-131708015-A-G.
Other names: short protein forms I523T.
Identifiers: ClinVar variation 836909 (VCV000836909.12), dbSNP rs774524497, ClinGen allele CA5271542.

ClinVar aggregate classification (germline): Uncertain significance. Review status: criteria provided, multiple submitters, no conflicts (2 of 4 stars). 4 submissions from 4 submitters: Uncertain significance (4). Last evaluated 2026-06-08.

Conditions:
DK1-congenital disorder of glycosylation. Also called: DOLK-congenital disorder of glycosylation; Carbohydrate deficient glycoprotein syndrome type 1m; CONGENITAL DISORDER OF GLYCOSYLATION, TYPE Im; CDG Im; DK1 DEFICIENCY; DOLICHOL KINASE DEFICIENCY. Identifiers: Orphanet 91131, MedGen C1835849, MONDO:0012556, OMIM 610768.
Cardiovascular phenotype. Identifiers: MedGen CN230736.

Allele frequency attached by ClinVar (database versions not stated): gnomAD 0.00002 and 0.00004; gnomAD exomes 0.00002 and 0.00003; ExAC 0.00003; TOPMed 0.00008.

Submissions (4):

Women's Health and Genetics/Laboratory Corporation of America, LabCorp
Classification: Uncertain significance. Last evaluated: 2026-06-08. Review status: criteria provided, single submitter. Criteria: LabCorp Variant Classification Summary - May 2015. Collection method: clinical testing. Allele origin: germline.

GeneDx
Classification: Uncertain significance. Last evaluated: 2025-06-27. Review status: criteria provided, single submitter. Criteria: GeneDx Variant Classification Process June 2021. Collection method: clinical testing. Allele origin: germline. Affected: yes.
Comment: Not observed at significant frequency in large population cohorts (gnomAD); In silico analysis supports that this missense variant has a deleterious effect on protein structure/function; Has not been previously published as pathogenic or benign to our knowledge

Ambry Genetics
Classification: Uncertain significance for Cardiovascular phenotype. Last evaluated: 2024-04-20. Review status: criteria provided, single submitter. Criteria: Ambry Variant Classification Scheme 2023. Collection method: clinical testing. Allele origin: germline.

Labcorp Genetics (formerly Invitae), Labcorp
Classification: Uncertain significance for DK1-congenital disorder of glycosylation. Last evaluated: 2022-09-01. Review status: criteria provided, single submitter. Criteria: Invitae Variant Classification Sherloc (09022015). Collection method: clinical testing. Allele origin: germline.
Comment: This sequence change replaces isoleucine, which is neutral and non-polar, with threonine, which is neutral and polar, at codon 523 of the DOLK protein (p.Ile523Thr). This variant is present in population databases (rs774524497, gnomAD 0.007%). This variant has not been reported in the literature in individuals affected with DOLK-related conditions. ClinVar contains an entry for this variant (Variation ID: 836909). Algorithms developed to predict the effect of missense changes on protein structure and function are either unavailable or do not agree on the potential impact of this missense change (SIFT: "Tolerated"; PolyPhen-2: "Possibly Damaging"; Align-GVGD: "Class C0"). In summary, the available evidence is currently insufficient to determine the role of this variant in disease. Therefore, it has been classified as a Variant of Uncertain Significance.